The following is an entry in ClinVar:

NM_006031.6(PCNT):c.5941G>A (p.Asp1981Asn)

Gene: PCNT (pericentrin; plus strand). Cytogenetic location: 21q22.3.
Variant type: single nucleotide variant.
Coding change: c.5941G>A on transcript NM_006031.6 (MANE Select); coding-DNA position 5941, G replaced by A.
Protein change: p.Asp1981Asn; replaces aspartic acid 1981 with asparagine.
Molecular consequence: missense variant.
Genome position (GRCh38, 1-based): chr21:46,412,014, G>A. VCF-style: chr21-46412014-G-A. GRCh37 (hg19) VCF-style: chr21-47831928-G-A.
Other names: c.5587G>A, p.Asp1863Asn (NM_001315529.2); short protein forms D1863N, D1981N.
Identifiers: ClinVar variation 3357628 (VCV003357628.1).
Genomic context (GRCh38, chr21:46,412,014, plus strand): 5'-GTGCCCGGGGCCCACCCACAGCCTCGCATGGATGGTGGCGCCAAGGCCCAGGTCACCGGC[G>A]ACGTGGAGGCCTCCCATGATGCTGCTTTGGAGCCGGTTGTCCCTGACCCACAGGTGGGCT-3'
Protein context (NP_006022.3, residues 1971-1991): DGGAKAQVTG[Asp1981Asn]VEASHDAALE

ClinVar aggregate classification (germline): Uncertain significance (0 of 4 stars; one submission).

Conditions:
PCNT-related disorder. Also called: PCNT-related condition.

gnomAD v4.1: 12 of 1,607,574 alleles (0.00075%); highest among the groups gnomAD compares: Admixed American, 0.0017%; no homozygotes.

Submission:

PreventionGenetics, part of Exact Sciences
Classification: Uncertain significance for PCNT-related condition. Last evaluated: 2024-05-21. Review status: no assertion criteria provided. Collection method: clinical testing. Allele origin: germline.
Comment: The PCNT c.5941G>A variant is predicted to result in the amino acid substitution p.Asp1981Asn. To our knowledge, this variant has not been reported in the literature. This variant is reported in 0.00096% of alleles in individuals of European (Non-Finnish) descent in gnomAD. At this time, the clinical significance of this variant is uncertain due to the absence of conclusive functional and genetic evidence.